The following is an entry in ClinVar:

ClinVar aggregate classification (germline): Pathogenic (1 of 4 stars; one submission).

Conditions:
Combined immunodeficiency due to LRBA deficiency. Also called: Common variable immunodeficiency 8, with autoimmunity. Identifiers: Orphanet 445018, MedGen C3553512, MONDO:0013863, OMIM 614700.

Submission:

Labcorp Genetics (formerly Invitae), Labcorp
Classification: Pathogenic for Common variable immunodeficiency 8, with autoimmunity. Last evaluated: 2019-10-04. Review status: criteria provided, single submitter. Criteria: Invitae Variant Classification Sherloc (09022015). Collection method: clinical testing. Allele origin: germline.
Comment: This variant is an out-of-frame deletion of the genomic region encompassing exon 35 of the LRBA gene. This is expected to create a premature translational stop signal and result in an absent or disrupted protein product. This variant has not been reported in the literature in individuals with LRBA-related conditions. Loss-of-function variants in LRBA are known to be pathogenic (PMID: 26206937, 26768763). For these reasons, this variant has been classified as Pathogenic.

NC_000004.12:g.(?_150761763)_(150761867_?)del

Gene: LRBA (LPS responsive beige-like anchor protein; minus strand). Cytogenetic location: 4q31.3.
Variant type: Deletion.
Identifiers: ClinVar variation 833337 (VCV000833337.1).